The following is an entry in ClinVar:

ClinVar aggregate classification (germline): Uncertain significance (1 of 4 stars; one submission).

Allele frequency attached by ClinVar (database versions not stated): ESP Exome Variant Server 0.00008.
gnomAD v4.1: 4 of 1,613,296 alleles (0.00025%); highest among the groups gnomAD compares: Middle Eastern, 0.016%; no homozygotes.

Submission:

Ambry Genetics
Classification: Uncertain significance. Last evaluated: 2022-01-31. Review status: criteria provided, single submitter. Criteria: Ambry Variant Classification Scheme 2023. Collection method: clinical testing. Allele origin: germline.
Comment: The p.S547G variant (also known as c.1639A>G), located in coding exon 9 of the PALLD gene, results from an A to G substitution at nucleotide position 1639. The serine at codon 547 is replaced by glycine, an amino acid with similar properties. This amino acid position is conserved. In addition, this alteration is predicted to be tolerated by in silico analysis. Since supporting evidence is limited at this time, the clinical significance of this alteration remains unclear.

NM_001166108.2(PALLD):c.1639A>G (p.Ser547Gly)

Gene: PALLD (palladin, cytoskeletal associated protein; plus strand). Cytogenetic location: 4q32.3.
Variant type: single nucleotide variant.
Coding change: c.1639A>G on transcript NM_001166108.2 (MANE Select); coding-DNA position 1639, A replaced by G.
Protein change: p.Ser547Gly; replaces serine 547 with glycine.
Molecular consequence: missense variant.
Genome position (GRCh38, 1-based): chr4:168,711,598, A>G. VCF-style: chr4-168711598-A-G. GRCh37 (hg19) VCF-style: chr4-169632749-A-G.
Other names: c.493A>G, p.Ser165Gly (NM_001166109.2); c.1639A>G, p.Ser547Gly (NM_016081.4); short protein forms S165G, S547G.
Identifiers: ClinVar variation 1776980 (VCV001776980.2), dbSNP rs149752265, ClinGen allele CA3135702.